The following is an entry in ClinVar:

NM_022455.5(NSD1):c.6487C>T (p.Gln2163Ter)

Gene: NSD1 (nuclear receptor binding SET domain protein 1; plus strand). Cytogenetic location: 5q35.3.
Variant type: single nucleotide variant.
Coding change: c.6487C>T on transcript NM_022455.5 (MANE Select); coding-DNA position 6487, C replaced by T.
Protein change: p.Gln2163Ter; replaces glutamine 2163 with a stop codon.
Molecular consequence: nonsense.
Genome position (GRCh38, 1-based): chr5:177,293,855, C>T. VCF-style: chr5-177293855-C-T. GRCh37 (hg19) VCF-style: chr5-176720856-C-T.
Other names: c.5614C>T, p.Gln1872Ter (NM_001365684.2, NM_001409308.1, NM_172349.5); c.6487C>T, p.Gln2163Ter (NM_001409301.1, NM_001409302.1, NM_001409303.1); c.6067C>T, p.Gln2023Ter (NM_001409304.1); c.5734C>T, p.Gln1912Ter (NM_001409305.1); c.5725C>T, p.Gln1909Ter (NM_001409306.1, NM_001409307.1); c.5365C>T, p.Gln1789Ter (NM_001409309.1); short protein forms Q2163*, Q1894*, Q1789*, Q1912*, Q1872*, Q1909*, Q2023*.
Identifiers: ClinVar variation 407364 (VCV000407364.10), dbSNP rs1060501494, ClinGen allele CA16611920.

ClinVar aggregate classification (germline): Pathogenic (1 of 4 stars; one submission).

Submission:

Labcorp Genetics (formerly Invitae), Labcorp
Classification: Pathogenic. Last evaluated: 2016-12-17. Review status: criteria provided, single submitter. Criteria: Invitae Variant Classification Sherloc (09022015). Collection method: clinical testing. Allele origin: germline.
Comment: Several different variants downstream of this variant (such as p.Cys2183Ser, p.Arg2187*, and c.7514delA) have been determined to be pathogenic (PMID: 12464997, 16247291, 15742365). This suggests that deletion of this region of the NSD1 protein is causative of disease. For these reasons, this variant has been classified as Pathogenic. This variant has not been reported in the literature in individuals with a NSD1-related disease. This sequence change results in a premature translational stop signal in the last exon of the NSD1 mRNA at codon 2163 (p.Gln2163*). While this is not anticipated to result in nonsense mediated decay, it is expected to delete the last 534 amino acids of the NSD1 protein.

Literature cited by the submitters: PubMed 12464997; PubMed 16247291; PubMed 15742365.